The following is an entry in ClinVar:

ClinVar aggregate classification (germline): Uncertain significance (1 of 4 stars; one submission).

Conditions:
Inborn genetic diseases. Identifiers: MedGen C0950123, MeSH D030342.

Submission:

Ambry Genetics
Classification: Uncertain significance for Inborn genetic diseases. Last evaluated: 2025-03-19. Review status: criteria provided, single submitter. Criteria: Ambry Variant Classification Scheme 2023. Collection method: clinical testing. Allele origin: germline.
Comment: The c.3183T>G (p.I1061M) alteration is located in exon 11 (coding exon 11) of the ARID1A gene. This alteration results from a T to G substitution at nucleotide position 3183, causing the isoleucine (I) at amino acid position 1061 to be replaced by a methionine (M). This variant was not reported in population-based cohorts in the Genome Aggregation Database (gnomAD). This amino acid position is well conserved in available vertebrate species. This missense alteration is located in a region that has a low rate of benign missense variation (Lek, 2016; Firth, 2009). This alteration is predicted to be tolerated by in silico analysis. Based on insufficient or conflicting evidence, the clinical significance of this alteration remains unclear.

NM_006015.6(ARID1A):c.3183T>G (p.Ile1061Met)

Gene: ARID1A (AT-rich interaction domain 1A; plus strand). Cytogenetic location: 1p36.11.
Variant type: single nucleotide variant.
Coding change: c.3183T>G on transcript NM_006015.6 (MANE Select); coding-DNA position 3183, T replaced by G.
Protein change: p.Ile1061Met; replaces isoleucine 1061 with methionine.
Molecular consequence: missense variant.
Genome position (GRCh38, 1-based): chr1:26,767,984, T>G. VCF-style: chr1-26767984-T-G. GRCh37 (hg19) VCF-style: chr1-27094475-T-G.
Other names: c.3183T>G, p.Ile1061Met (NM_139135.4); short protein forms I1061M.
Identifiers: ClinVar variation 3784141 (VCV003784141.2).
Genomic context (GRCh38, chr1:26,767,984, plus strand): 5'-GCCTGCTGTGGGTAGGAAACCTCTGGACCTCTATCGCCTCTATGTGTCTGTGAAGGAGAT[T>G]GGTGGATTGACTCAGGTGAGTGGGCGCCTGACACTTGACTGCCCCTGTGGTTTCCACAAA-3'
Protein context (NP_006006.3, residues 1051-1071): LYRLYVSVKE[Ile1061Met]GGLTQVNKNK